The following is an entry in ClinVar:

ClinVar aggregate classification (germline): Uncertain significance. Review status: criteria provided, multiple submitters, no conflicts (2 of 4 stars). 2 submissions from 2 submitters: Uncertain significance (2). Last evaluated 2025-10-18.

Conditions:
Hereditary pancreatitis (PCTT). Also called: Hereditary chronic pancreatitis; PRSS1-Related Hereditary Pancreatitis. Identifiers: Orphanet 676, MedGen C0238339, MONDO:0008185, OMIM 167800.

Submissions (2):

Labcorp Genetics (formerly Invitae), Labcorp
Classification: Uncertain significance for Hereditary pancreatitis. Last evaluated: 2025-10-18. Review status: criteria provided, single submitter. Criteria: Invitae Variant Classification Sherloc (09022015). Collection method: clinical testing. Allele origin: germline.
Comment: This sequence change replaces alanine, which is neutral and non-polar, with threonine, which is neutral and polar, at codon 163 of the PRSS1 protein (p.Ala163Thr). Information on the frequency of this variant in the gnomAD database is not available, as this variant may be reported differently in the database. This variant has not been reported in the literature in individuals affected with PRSS1-related conditions. ClinVar contains an entry for this variant (Variation ID: 653067). Experimental studies and prediction algorithms are not available or were not evaluated, and the functional significance of this variant is currently unknown. In summary, the available evidence is currently insufficient to determine the role of this variant in disease. Therefore, it has been classified as a Variant of Uncertain Significance.

Ambry Genetics
Classification: Uncertain significance for Hereditary pancreatitis. Last evaluated: 2024-08-06. Review status: criteria provided, single submitter. Criteria: Ambry Variant Classification Scheme 2023. Collection method: clinical testing. Allele origin: germline.
Comment: The c.486_487delTGinsCA variant (also known as p.A163T), located in coding exon 4 of the PRSS1 gene, results from an in-frame deletion of TG and insertion of CA at nucleotide positions 486 to 487. This results in the substitution of the alanine residue for a threonine residue at codon 163, an amino acid with similar properties. This amino acid position is not well conserved in available vertebrate species. In addition, the in silico prediction for this alteration is inconclusive (Choi Y et al. PLoS ONE. 2012; 7(10):e46688). Based on the available evidence, the clinical significance of this variant remains unclear.

NM_002769.5(PRSS1):c.486_487inv (p.Ala163Thr)

Genes: PRSS1 (serine protease 1; plus strand), TRB (T cell receptor beta locus; plus strand). Cytogenetic location: 7q34.
Variant type: Inversion.
Coding change: c.486_487inv on transcript NM_002769.5 (MANE Select).
Protein change: p.Ala163Thr; replaces alanine 163 with threonine.
Molecular consequence: missense variant.
Genome position: GRCh38 VCF-style: chr7-142752462-TG-CA. GRCh37 (hg19) VCF-style: chr7-142460313-TG-CA.
Other names: c.486_487delTGinsCA (NM_002769.4); short protein forms A163T.
Identifiers: ClinVar variation 653067 (VCV000653067.13), ClinGen allele CA915945536.